The following is an entry in ClinVar:

ClinVar aggregate classification (germline): Uncertain significance. Review status: criteria provided, multiple submitters, no conflicts (2 of 4 stars). 2 submissions from 2 submitters: Uncertain significance (2). Last evaluated 2025-05-08.

Conditions:
Hereditary cancer-predisposing syndrome. Also called: Neoplastic Syndromes, Hereditary; Hereditary Cancer Syndrome; Hereditary neoplastic syndrome; Tumor predisposition. Identifiers: Orphanet 140162, MedGen C0027672, MeSH D009386, MONDO:0015356.
Rhabdoid tumor predisposition syndrome 2 (RTPS2). Identifiers: Orphanet 231108, Orphanet 69077, MedGen C2750074, MONDO:0013224, OMIM 613325.

gnomAD v4.1: 2 of 1,602,572 alleles (0.00012%); highest among the groups gnomAD compares: Non-Finnish European, 0.00017%; no homozygotes.

Submissions (2):

Ambry Genetics
Classification: Uncertain significance for Hereditary cancer-predisposing syndrome. Last evaluated: 2025-05-08. Review status: criteria provided, single submitter. Criteria: Ambry Variant Classification Scheme 2023. Collection method: clinical testing. Allele origin: germline.
Comment: The p.F1416L variant (also known as c.4246T>C), located in coding exon 29 of the SMARCA4 gene, results from a T to C substitution at nucleotide position 4246. The phenylalanine at codon 1416 is replaced by leucine, an amino acid with highly similar properties. This amino acid position is conserved. In addition, this alteration is predicted to be tolerated by in silico analysis. Based on the available evidence, the clinical significance of this variant remains unclear.

Labcorp Genetics (formerly Invitae), Labcorp
Classification: Uncertain significance for Rhabdoid tumor predisposition syndrome 2. Last evaluated: 2025-01-12. Review status: criteria provided, single submitter. Criteria: Invitae Variant Classification Sherloc (09022015). Collection method: clinical testing. Allele origin: germline.
Comment: This sequence change replaces phenylalanine, which is neutral and non-polar, with leucine, which is neutral and non-polar, at codon 1416 of the SMARCA4 protein (p.Phe1416Leu). This variant is not present in population databases (gnomAD no frequency). This variant has not been reported in the literature in individuals affected with SMARCA4-related conditions. ClinVar contains an entry for this variant (Variation ID: 1062063). An algorithm developed to predict the effect of missense changes on protein structure and function (PolyPhen-2) suggests that this variant is likely to be tolerated. In summary, the available evidence is currently insufficient to determine the role of this variant in disease. Therefore, it has been classified as a Variant of Uncertain Significance.

NM_001387283.1(SMARCA4):c.4246T>C (p.Phe1416Leu)

Gene: SMARCA4 (SWI/SNF related BAF chromatin remodeling complex subunit ATPase 4; plus strand). Cytogenetic location: 19p13.2.
Variant type: single nucleotide variant.
Coding change: c.4246T>C on transcript NM_001387283.1 (MANE Plus Clinical); coding-DNA position 4246, T replaced by C.
Protein change: p.Phe1416Leu; replaces phenylalanine 1416 with leucine.
Molecular consequence: missense variant. On other transcripts: intron variant (7).
Genome position (GRCh38, 1-based): chr19:11,039,533, T>C. VCF-style: chr19-11039533-T-C. GRCh37 (hg19) VCF-style: chr19-11150209-T-C.
Other names: c.4246T>C, p.Phe1416Leu (NM_001128849.3); c.4171-1774T>C (NM_001128844.3, NM_003072.5); c.4072-1774T>C (NM_001128847.4, NM_001374457.1, NM_001128848.2); c.4072-1765T>C (NM_001128845.2, NM_001128846.2); c.4246T>C (NM_001128849.1); short protein forms F1416L.
Identifiers: ClinVar variation 1062063 (VCV001062063.10), dbSNP rs1600446408, ClinGen allele CA404071734.